The following is an entry in ClinVar:

ClinVar aggregate classification (germline): Uncertain significance (1 of 4 stars; one submission).

Conditions:
Idiopathic generalized epilepsy. Also called: EIG; Generalised epilepsy. Identifiers: MedGen C0270850, MONDO:0005579, OMIM 600669.
Hyperaldosteronism, familial, type IV (HALD4). Also called: FH IV; ALDOSTERONISM, PRIMARY, AND HYPERTENSION. Identifiers: Orphanet 642671, MedGen C4310756, MONDO:0014875, OMIM 617027.

gnomAD v4.1: 2 of 1,553,032 alleles (0.00013%); highest among the groups gnomAD compares: South Asian, 0.0012%; no homozygotes.

Submission:

Labcorp Genetics (formerly Invitae), Labcorp
Classification: Uncertain significance for Idiopathic generalized epilepsy; Hyperaldosteronism, familial, type IV. Last evaluated: 2025-03-19. Review status: criteria provided, single submitter. Criteria: Invitae Variant Classification Sherloc (09022015). Collection method: clinical testing. Allele origin: germline.
Comment: This sequence change replaces isoleucine, which is neutral and non-polar, with methionine, which is neutral and non-polar, at codon 582 of the CACNA1H protein (p.Ile582Met). This variant is not present in population databases (gnomAD no frequency). This variant has not been reported in the literature in individuals affected with CACNA1H-related conditions. Invitae Evidence Modeling of protein sequence and biophysical properties (such as structural, functional, and spatial information, amino acid conservation, physicochemical variation, residue mobility, and thermodynamic stability) indicates that this missense variant is not expected to disrupt CACNA1H protein function with a negative predictive value of 80%. In summary, the available evidence is currently insufficient to determine the role of this variant in disease. Therefore, it has been classified as a Variant of Uncertain Significance.

NM_021098.3(CACNA1H):c.1746A>G (p.Ile582Met)

Gene: CACNA1H (calcium voltage-gated channel subunit alpha1 H; plus strand). Cytogenetic location: 16p13.3.
Variant type: single nucleotide variant.
Coding change: c.1746A>G on transcript NM_021098.3 (MANE Select); coding-DNA position 1746, A replaced by G.
Protein change: p.Ile582Met; replaces isoleucine 582 with methionine.
Molecular consequence: missense variant.
Genome position (GRCh38, 1-based): chr16:1,202,196, A>G. VCF-style: chr16-1202196-A-G. GRCh37 (hg19) VCF-style: chr16-1252196-A-G.
Other names: c.1746A>G, p.Ile582Met (NM_001005407.2); short protein forms I582M.
Identifiers: ClinVar variation 4783006 (VCV004783006.1).
Genomic context (GRCh38, chr16:1,202,196, plus strand): 5'-AGGCCGCGGACCCCCCGACGCAGAGTCTGTGCACAGCATCTACCATGCCGACTGCCACAT[A>G]GAGGGGCCGCAGGAGAGGGCCCGGGTGGCACATGCCGCAGCCACTGCCGCTGCCAGCCTC-3'
Protein context (NP_066921.2, residues 572-592): VHSIYHADCH[Ile582Met]EGPQERARVA